The following is an entry in ClinVar:

NM_000059.4(BRCA2):c.10152A>G (p.Arg3384=)

Gene: BRCA2 (BRCA2 DNA repair associated; plus strand). Cytogenetic location: 13q13.1.
Variant type: single nucleotide variant.
Coding change: c.10152A>G on transcript NM_000059.4 (MANE Select); coding-DNA position 10152, A replaced by G.
Protein change: p.Arg3384=; no amino-acid change (arginine 3384 retained).
Molecular consequence: synonymous variant.
Genome position (GRCh38, 1-based): chr13:32,398,665, A>G. VCF-style: chr13-32398665-A-G. GRCh37 (hg19) VCF-style: chr13-32972802-A-G.
Identifiers: ClinVar variation 381936 (VCV000381936.4), dbSNP rs747281144, ClinGen allele CA16606836.

ClinVar aggregate classification (germline): Likely benign. Review status: criteria provided, multiple submitters, no conflicts (2 of 4 stars). 3 submissions from 3 submitters: Likely benign (3). Last evaluated 2023-08-15.

Conditions:
Hereditary cancer-predisposing syndrome. Also called: Tumor predisposition; Hereditary neoplastic syndrome; Neoplastic Syndromes, Hereditary; Hereditary Cancer Syndrome. Identifiers: Orphanet 140162, MedGen C0027672, MeSH D009386, MONDO:0015356.

gnomAD v4.1: 4 of 1,614,174 alleles (0.00025%); highest among the groups gnomAD compares: Non-Finnish European, 0.00034%; no homozygotes.

Submissions (3):

Color Diagnostics, LLC DBA Color Health
Classification: Likely benign for Hereditary cancer-predisposing syndrome. Last evaluated: 2023-08-15. Review status: criteria provided, single submitter. Criteria: ACMG Guidelines, 2015. Collection method: clinical testing. Allele origin: germline.

Ambry Genetics
Classification: Likely benign for Hereditary cancer-predisposing syndrome. Last evaluated: 2023-05-28. Review status: criteria provided, single submitter. Criteria: Ambry Variant Classification Scheme 2023. Collection method: clinical testing. Allele origin: germline.

GeneDx
Classification: Likely benign. Last evaluated: 2015-12-01. Review status: criteria provided, single submitter. Criteria: GeneDx Variant Classification (06012015). Collection method: clinical testing. Allele origin: germline. Affected: yes.
Comment: This variant is considered likely benign or benign based on one or more of the following criteria: it is a conservative change, it occurs at a poorly conserved position in the protein, it is predicted to be benign by multiple in silico algorithms, and/or has population frequency not consistent with disease.